The following is an entry in ClinVar:

NM_001267550.2(TTN):c.61206C>T (p.Pro20402=)

Genes: TTN (titin; minus strand), TTN-AS1 (TTN antisense RNA 1; plus strand). Cytogenetic location: 2q31.2.
Variant type: single nucleotide variant.
Coding change: c.61206C>T on transcript NM_001267550.2 (MANE Select); coding-DNA position 61206, C replaced by T.
Protein change: p.Pro20402=; no amino-acid change (proline 20402 retained).
Molecular consequence: synonymous variant.
Genome position (GRCh38, 1-based): chr2:178,590,519, G>A on the plus strand (C>T on the coding strand, the complement: TTN is on the minus strand). VCF-style: chr2-178590519-G-A. GRCh37 (hg19) VCF-style: chr2-179455246-G-A.
Other names: c.56283C>T, p.Pro18761= (NM_001256850.1); c.34011C>T, p.Pro11337= (NM_003319.4); c.53502C>T, p.Pro17834= (NM_133378.4); c.34386C>T, p.Pro11462= (NM_133432.3); c.34587C>T, p.Pro11529= (NM_133437.4).
Identifiers: ClinVar variation 618466 (VCV000618466.27), dbSNP rs1559582385, ClinGen allele CA430266375.

ClinVar aggregate classification (germline): Likely benign. Review status: criteria provided, multiple submitters, no conflicts (2 of 4 stars). 8 submissions from 8 submitters: Likely benign (7). 1 of the submissions does not count toward it. Last evaluated 2025-07-28.

Conditions:
TTN-related disorder. Also called: TTN-related condition; TTN-related disease; TTN-related disorders.
Dilated cardiomyopathy 1G (CMD1G). Identifiers: Orphanet 154, MedGen C1858763, MONDO:0011400, OMIM 604145.
Autosomal recessive limb-girdle muscular dystrophy type 2J (LGMDR10). Also called: Limb-girdle muscular dystrophy, type 2J; MUSCULAR DYSTROPHY, LIMB-GIRDLE, AUTOSOMAL RECESSIVE 10. Identifiers: Orphanet 140922, MedGen C1837342, MONDO:0012127, OMIM 608807.
Cardiomyopathy (CMYO). Also called: Cardiomyopathies. Identifiers: Orphanet 167848, MedGen C0878544, MONDO:0004994, HP:0001638. Inheritance: Various modes of inheritance.
Cardiovascular phenotype. Identifiers: MedGen CN230736.

Submissions (8):

Labcorp Genetics (formerly Invitae), Labcorp
Classification: Likely benign for Dilated cardiomyopathy 1G; Autosomal recessive limb-girdle muscular dystrophy type 2J. Last evaluated: 2025-07-28. Review status: criteria provided, single submitter. Criteria: Invitae Variant Classification Sherloc (09022015). Collection method: clinical testing. Allele origin: germline.

Ambry Genetics
Classification: Likely benign for Cardiovascular phenotype. Last evaluated: 2025-04-20. Review status: criteria provided, single submitter. Criteria: Ambry Variant Classification Scheme 2023. Collection method: clinical testing. Allele origin: germline.

Molecular Diagnostic Laboratory for Inherited Cardiovascular Disease, Montreal Heart Institute
Classification: Likely benign. Last evaluated: 2025-04-09. Review status: criteria provided, single submitter. Criteria: ACMG Guidelines, 2015. Collection method: clinical testing. Allele origin: germline. Affected: no.

Blueprint Genetics
Classification: Likely benign. Last evaluated: 2024-09-06. Review status: criteria provided, single submitter. Criteria: ACMG Guidelines, 2015. Collection method: clinical testing. Allele origin: germline.

CHEO Genetics Diagnostic Laboratory, Children's Hospital of Eastern Ontario
Classification: Likely benign for Cardiomyopathy. Last evaluated: 2020-09-30. Review status: criteria provided, single submitter. Criteria: ACMG Guidelines, 2015. Collection method: clinical testing. Allele origin: germline.

GeneDx
Classification: Likely benign. Last evaluated: 2019-12-02. Review status: criteria provided, single submitter. Criteria: GeneDx Variant Classification Process June 2021. Collection method: clinical testing. Allele origin: germline. Affected: yes.

ARUP Laboratories, Molecular Genetics and Genomics, ARUP Laboratories
Classification: Likely benign. Last evaluated: 2018-06-04. Review status: criteria provided, single submitter. Criteria: ARUP Molecular Germline Variant Investigation Process. Collection method: clinical testing. Allele origin: germline.
Comment: The c.53502C>T; p.Pro17834Pro variant does not alter the amino acid sequence of the TTN protein and computational splice site prediction algorithms do not predict a change in the nearest splice site or creation of a cryptic splice site. This variant is absent from the genome Aggregation Database (gnomAD); however evidence suggests that the vast majority of rare non-truncating TTN variants do not contribute to the clinical outcome of DCM (Begay 2015). Given the available evidence, the c.53502C>T variant is likely to be benign.

PreventionGenetics, part of Exact Sciences
Classification: Likely benign for TTN-related condition. Last evaluated: 2019-09-03. Review status: no assertion criteria provided. Collection method: clinical testing. Allele origin: germline. Not counted in ClinVar's aggregate classification.
Comment: This variant is classified as likely benign based on ACMG/AMP sequence variant interpretation guidelines (Richards et al. 2015 PMID: 25741868, with internal and published modifications).